The following is an entry in ClinVar:

ClinVar aggregate classification (germline): Pathogenic (1 of 4 stars; one submission).

Conditions:
Primary ciliary dyskinesia. Also called: Ciliary dyskinesia. Identifiers: Orphanet 244, MedGen C0008780, MONDO:0016575, HP:0012265.

Submission:

Labcorp Genetics (formerly Invitae), Labcorp
Classification: Pathogenic for Primary ciliary dyskinesia. Last evaluated: 2025-04-11. Review status: criteria provided, single submitter. Criteria: Invitae Variant Classification Sherloc (09022015). Collection method: clinical testing. Allele origin: germline.
Comment: This sequence change creates a premature translational stop signal (p.Ala207Argfs*28) in the CCNO gene. While this is not anticipated to result in nonsense mediated decay, it is expected to disrupt the last 144 amino acid(s) of the CCNO protein. This variant is not present in population databases (gnomAD no frequency). This variant has not been reported in the literature in individuals affected with CCNO-related conditions. This variant disrupts a region of the CCNO protein in which other variant(s) (p.Gln321*) have been determined to be pathogenic (PMID: 24747639, 26139845). This suggests that this is a clinically significant region of the protein, and that variants that disrupt it are likely to be disease-causing. For these reasons, this variant has been classified as Pathogenic.

Literature cited by the submitters: PubMed 24747639; PubMed 26139845.

NM_021147.5(CCNO):c.617dup (p.Ala207fs)

Gene: CCNO (cyclin O; minus strand). Cytogenetic location: 5q11.2.
Variant type: Duplication.
Coding change: c.617dup on transcript NM_021147.5 (MANE Select); coding-DNA position 617, one base duplicated (G; older notation c.617dupG).
Protein change: p.Ala207fs; shifts the reading frame from alanine 207.
Molecular consequence: frameshift variant. On other transcripts: non-coding transcript variant (3).
Genome position (GRCh38, 1-based): chr5:55,231,811, C duplicated on the plus strand (G on the coding strand, the reverse complement: CCNO is on the minus strand); the first of 2 consecutive C bases (chr5:55,231,811-55,231,812); duplicating either gives the same sequence. VCF-style (leftmost placement, unchanged base first): chr5-55231810-G-GC. GRCh37 (hg19) VCF-style: chr5-54527638-G-GC.
Other names: short protein forms A207fs.
Identifiers: ClinVar variation 4717057 (VCV004717057.1).
Genomic context (GRCh38, chr5:55,231,810, plus strand): 5'-GAAGTGCAGCTTGTGCAGCACGATGCACTCGAGGTTGCAGAGCTGCTGCCGGGAGAAGGC[G>GC]CCGCAGCAGAGGGCCAGAAGCTGCTTCACGCGCGGCGGGTGCACCTCCACCTGCAACACA-3'